The following is an entry in ClinVar:

ClinVar aggregate classification (germline): Uncertain significance (1 of 4 stars; one submission).

Conditions:
Atrial fibrillation, familial, 18 (ATFB18). Identifiers: MedGen C4310636, MONDO:0015001, OMIM 617280.

gnomAD v4.1: 1 of 1,614,214 alleles (0.000062%); highest among the groups gnomAD compares: South Asian, 0.0011%; no homozygotes.

Submission:

Labcorp Genetics (formerly Invitae), Labcorp
Classification: Uncertain significance for Atrial fibrillation, familial, 18. Last evaluated: 2024-10-27. Review status: criteria provided, single submitter. Criteria: Invitae Variant Classification Sherloc (09022015). Collection method: clinical testing. Allele origin: germline.
Comment: This sequence change replaces proline, which is neutral and non-polar, with arginine, which is basic and polar, at codon 23 of the MYL4 protein (p.Pro23Arg). This variant is present in population databases (rs764371297, gnomAD 0.003%). This variant has not been reported in the literature in individuals affected with MYL4-related conditions. Experimental studies and prediction algorithms are not available or were not evaluated, and the functional significance of this variant is currently unknown. In summary, the available evidence is currently insufficient to determine the role of this variant in disease. Therefore, it has been classified as a Variant of Uncertain Significance.

NM_002476.2(MYL4):c.68C>G (p.Pro23Arg)

Gene: MYL4 (myosin light chain 4; plus strand). Cytogenetic location: 17q21.32.
Variant type: single nucleotide variant.
Coding change: c.68C>G on transcript NM_002476.2 (MANE Select); coding-DNA position 68, C replaced by G.
Protein change: p.Pro23Arg; replaces proline 23 with arginine.
Molecular consequence: missense variant.
Genome position (GRCh38, 1-based): chr17:47,209,490, C>G. VCF-style: chr17-47209490-C-G. GRCh37 (hg19) VCF-style: chr17-45286856-C-G.
Other names: c.68C>G, p.Pro23Arg (NM_001002841.2); short protein forms P23R.
Identifiers: ClinVar variation 3697558 (VCV003697558.2).